The following is an entry in ClinVar:

NM_001098671.2(RASGRP2):c.1314T>A (p.Phe438Leu)

Gene: RASGRP2 (RAS guanyl releasing protein 2; minus strand). Cytogenetic location: 11q13.1.
Variant type: single nucleotide variant.
Coding change: c.1314T>A on transcript NM_001098671.2 (MANE Select); coding-DNA position 1314, T replaced by A.
Protein change: p.Phe438Leu; replaces phenylalanine 438 with leucine.
Molecular consequence: missense variant.
Genome position (GRCh38, 1-based): chr11:64,735,210, A>T on the plus strand (T>A on the coding strand, the complement: RASGRP2 is on the minus strand). VCF-style: chr11-64735210-A-T. GRCh37 (hg19) VCF-style: chr11-64502682-A-T.
Other names: c.1314T>A, p.Phe438Leu (NM_001098670.2, NM_153819.2); c.879T>A, p.Phe293Leu (NM_001318398.2); short protein forms F438L, F293L.
Identifiers: ClinVar variation 2013399 (VCV002013399.4), dbSNP rs750452972, ClinGen allele CA381137551.

ClinVar aggregate classification (germline): Uncertain significance (1 of 4 stars; one submission).

gnomAD v4.1: 1 of 1,614,168 alleles (0.000062%); highest among the groups gnomAD compares: Admixed American, 0.0017%; no homozygotes.

Submission:

Labcorp Genetics (formerly Invitae), Labcorp
Classification: Uncertain significance. Last evaluated: 2022-07-03. Review status: criteria provided, single submitter. Criteria: Invitae Variant Classification Sherloc (09022015). Collection method: clinical testing. Allele origin: germline.
Comment: In summary, the available evidence is currently insufficient to determine the role of this variant in disease. Therefore, it has been classified as a Variant of Uncertain Significance. Algorithms developed to predict the effect of missense changes on protein structure and function are either unavailable or do not agree on the potential impact of this missense change (SIFT: "Deleterious"; PolyPhen-2: "Benign"; Align-GVGD: "Class C0"). This variant has not been reported in the literature in individuals affected with RASGRP2-related conditions. This variant is present in population databases (no rsID available, gnomAD 0.003%). This sequence change replaces phenylalanine, which is neutral and non-polar, with leucine, which is neutral and non-polar, at codon 438 of the RASGRP2 protein (p.Phe438Leu).